The following is an entry in ClinVar:

NM_006158.5(NEFL):c.377G>A (p.Arg126His)

Gene: NEFL (neurofilament light chain; minus strand). Cytogenetic location: 8p21.2.
Variant type: single nucleotide variant.
Coding change: c.377G>A on transcript NM_006158.5 (MANE Select); coding-DNA position 377, G replaced by A.
Protein change: p.Arg126His; replaces arginine 126 with histidine.
Molecular consequence: missense variant.
Genome position (GRCh38, 1-based): chr8:24,956,139, C>T on the plus strand (G>A on the coding strand, the complement: NEFL is on the minus strand). VCF-style: chr8-24956139-C-T. GRCh37 (hg19) VCF-style: chr8-24813653-C-T.
Other names: short protein forms R126H.
Identifiers: ClinVar variation 1369145 (VCV001369145.10), dbSNP rs1364995930, ClinGen allele CA370622608.
Genomic context (GRCh38, chr8:24,956,139, plus strand): 5'-AGGTCGCGGATCTCCTGCTCGTACAGCGCCCGGAAGCGGGATGGCTCGGAGTGCTTCTGG[C>T]GCAGCACCAGCAGCTCGGCTTCCAGGACCTTGTTCTGCTGCTCCAGCTCGTGCACGCGCT-3'
Protein context (NP_006149.2, residues 116-136): KVLEAELLVL[Arg126His]QKHSEPSRFR

ClinVar aggregate classification (germline): Uncertain significance. Review status: criteria provided, multiple submitters, no conflicts (2 of 4 stars). 3 submissions from 3 submitters: Uncertain significance (3). Last evaluated 2026-05-01.

Conditions:
Charcot-Marie-Tooth disease type 2E (CMT2E). Also called: CHARCOT-MARIE-TOOTH DISEASE, AXONAL, TYPE 2E; CHARCOT-MARIE-TOOTH NEUROPATHY, TYPE 2E. Identifiers: Orphanet 99939, MedGen C1843225, MONDO:0011894, OMIM 607684.
Inborn genetic diseases. Identifiers: MedGen C0950123, MeSH D030342.

Allele frequency attached by ClinVar (database versions not stated): gnomAD exomes below 0.00001 and 0.00001.

Submissions (3):

CeGaT Center for Human Genetics Tuebingen
Classification: Uncertain significance. Last evaluated: 2026-05-01. Review status: criteria provided, single submitter. Criteria: CeGaT Center For Human Genetics Tuebingen Variant Classification Criteria Version 2. Collection method: clinical testing. Allele origin: germline. Affected: yes. Observed: 1 variant allele.
Comment: NEFL: PM2, PP3

Labcorp Genetics (formerly Invitae), Labcorp
Classification: Uncertain significance for Charcot-Marie-Tooth disease type 2E. Last evaluated: 2024-01-18. Review status: criteria provided, single submitter. Criteria: Invitae Variant Classification Sherloc (09022015). Collection method: clinical testing. Allele origin: germline.
Comment: This sequence change replaces arginine, which is basic and polar, with histidine, which is basic and polar, at codon 126 of the NEFL protein (p.Arg126His). The frequency data for this variant in the population databases is considered unreliable, as metrics indicate poor data quality at this position in the gnomAD database. This variant has not been reported in the literature in individuals affected with NEFL-related conditions. ClinVar contains an entry for this variant (Variation ID: 1369145). Advanced modeling of protein sequence and biophysical properties (such as structural, functional, and spatial information, amino acid conservation, physicochemical variation, residue mobility, and thermodynamic stability) performed at Invitae indicates that this missense variant is expected to disrupt NEFL protein function with a positive predictive value of 80%. In summary, the available evidence is currently insufficient to determine the role of this variant in disease. Therefore, it has been classified as a Variant of Uncertain Significance.

Ambry Genetics
Classification: Uncertain significance for Inborn genetic diseases. Last evaluated: 2021-03-15. Review status: criteria provided, single submitter. Criteria: Ambry Variant Classification Scheme 2023. Collection method: clinical testing. Allele origin: germline.
Comment: The p.R126H variant (also known as c.377G>A), located in coding exon 1 of the NEFL gene, results from a G to A substitution at nucleotide position 377. The arginine at codon 126 is replaced by histidine, an amino acid with highly similar properties. This amino acid position is highly conserved in available vertebrate species. In addition, this alteration is predicted to be deleterious by in silico analysis. Since supporting evidence is limited at this time, the clinical significance of this alteration remains unclear.